The following is an entry in ClinVar:

ClinVar aggregate classification (germline): Likely benign (1 of 4 stars; one submission).

Allele frequency attached by ClinVar (database versions not stated): gnomAD 0.00383; 1000 Genomes Project 30x 0.00671.

Submission:

CeGaT Center for Human Genetics Tuebingen
Classification: Likely benign. Last evaluated: 2023-01-01. Review status: criteria provided, single submitter. Criteria: CeGaT Center For Human Genetics Tuebingen Variant Classification Criteria Version 2. Collection method: clinical testing. Allele origin: germline. Affected: yes. Observed: 1 variant allele.
Comment: GOLGA8J: BS2

NM_001282472.2(GOLGA8J):c.1368+265T>C

Gene: GOLGA8J (golgin A8 family member J; plus strand). Cytogenetic location: 15q13.2.
Variant type: single nucleotide variant.
Coding change: c.1368+265T>C on transcript NM_001282472.2 (MANE Select); 265 bases into the intron after coding-DNA position 1368, T replaced by C.
Molecular consequence: intron variant.
Genome position (GRCh38, 1-based): chr15:30,092,398, T>C. VCF-style: chr15-30092398-T-C. GRCh37 (hg19) VCF-style: chr15-30384601-T-C.
Identifiers: ClinVar variation 2645101 (VCV002645101.24), dbSNP rs1257544411, ClinGen allele CA617067401.
Genomic context (GRCh38, chr15:30,092,398, plus strand): 5'-CCCATTTCTTCTGTGTATGCCCCTAGAAGAATGCTCACATCTTGCCCTCAGGTGGCATTT[T>C]TCAAGTCCGCTGGAGCTAGTGCCCAGGAGAAGCAGGCACAGTTACAAGAGCAGGTGAAAG-3'